The following is an entry in ClinVar:

NM_002691.4(POLD1):c.1316A>G (p.Lys439Arg)

Gene: POLD1 (DNA polymerase delta 1, catalytic subunit; plus strand). Cytogenetic location: 19q13.33.
Variant type: single nucleotide variant.
Coding change: c.1316A>G on transcript NM_002691.4 (MANE Select); coding-DNA position 1316, A replaced by G.
Protein change: p.Lys439Arg; replaces lysine 439 with arginine.
Molecular consequence: missense variant. On other transcripts: non-coding transcript variant (1).
Genome position (GRCh38, 1-based): chr19:50,406,255, A>G. VCF-style: chr19-50406255-A-G. GRCh37 (hg19) VCF-style: chr19-50909512-A-G.
Other names: c.1316A>G, p.Lys439Arg (NM_001256849.1, NM_001308632.1); short protein forms K439R.
Identifiers: ClinVar variation 1961682 (VCV001961682.5), dbSNP rs2122318909, ClinGen allele CA406979860.

ClinVar aggregate classification (germline): Uncertain significance (1 of 4 stars; one submission).

Conditions:
POLD1-related polyposis and colorectal cancer syndrome (CRCS10). Also called: Colorectal cancer 10; COLORECTAL CANCER, SUSCEPTIBILITY TO, ON CHROMOSOME 19q; Colorectal cancer, susceptibility to, 10. Identifiers: Orphanet 220460, MedGen C2675481, MONDO:0012953, OMIM 612591.

Submission:

Labcorp Genetics (formerly Invitae), Labcorp
Classification: Uncertain significance for POLD1-related polyposis and colorectal cancer syndrome. Last evaluated: 2022-05-30. Review status: criteria provided, single submitter. Criteria: Invitae Variant Classification Sherloc (09022015). Collection method: clinical testing. Allele origin: germline.
Comment: Algorithms developed to predict the effect of sequence changes on RNA splicing suggest that this variant may create or strengthen a splice site. Algorithms developed to predict the effect of missense changes on protein structure and function output the following: SIFT: "Tolerated"; PolyPhen-2: "Benign"; Align-GVGD: "Class C0". The arginine amino acid residue is found in multiple mammalian species, which suggests that this missense change does not adversely affect protein function. This variant has not been reported in the literature in individuals affected with POLD1-related conditions. This variant is not present in population databases (gnomAD no frequency). This sequence change replaces lysine, which is basic and polar, with arginine, which is basic and polar, at codon 439 of the POLD1 protein (p.Lys439Arg). In summary, the available evidence is currently insufficient to determine the role of this variant in disease. Therefore, it has been classified as a Variant of Uncertain Significance.